The following is an entry in ClinVar:

NM_012144.4(DNAI1):c.1816A>T (p.Lys606Ter)

Gene: DNAI1 (dynein axonemal intermediate chain 1; plus strand). Cytogenetic location: 9p13.3.
Variant type: single nucleotide variant.
Coding change: c.1816A>T on transcript NM_012144.4 (MANE Select); coding-DNA position 1816, A replaced by T.
Protein change: p.Lys606Ter; replaces lysine 606 with a stop codon.
Molecular consequence: nonsense.
Genome position (GRCh38, 1-based): chr9:34,514,737, A>T. VCF-style: chr9-34514737-A-T. GRCh37 (hg19) VCF-style: chr9-34514735-A-T.
Other names: c.1828A>T, p.Lys610Ter (NM_001281428.2); short protein forms K606*, K610*.
Identifiers: ClinVar variation 5015380 (VCV005015380.1).

ClinVar aggregate classification (germline): Pathogenic (1 of 4 stars; one submission).

Conditions:
Kartagener syndrome (CILD1). Also called: CILIARY DYSKINESIA, PRIMARY, 1; CILIARY DYSKINESIA, PRIMARY, 1, WITH OR WITHOUT SITUS INVERSUS; IMMOTILE CILIA SYNDROME; POLYNESIAN BRONCHIECTASIS; Dextrocardia bronchiectasis and sinusitis; SIEWERT SYNDROME. Identifiers: Orphanet 244, MedGen C4551906, MONDO:0009484, OMIM 244400.

Submission:

Myriad Genetics, Inc.
Classification: Pathogenic for Kartagener syndrome. Last evaluated: 2026-01-01. Review status: criteria provided, single submitter. Criteria: Myriad Autosomal Dominant, Autosomal Recessive and X-Linked Classification Criteria (2023). Collection method: clinical testing. Allele origin: unknown.
Comment: NM_012144.2(DNAI1):c.1816A>T(K606*) is expected to be pathogenic in the context of primary ciliary dyskinesia, DNAI1-related. This variant is predicted to lead to an abnormal or absent protein product due to the creation of a premature termination codon in DNAI1, a gene where loss-of-function variants are known to be pathogenic. Please note: this variant was assessed in the context of healthy population screening.